The following is an entry in ClinVar:

NM_001458.5(FLNC):c.2114_2115del (p.Tyr705fs)

Gene: FLNC (filamin C; plus strand). Cytogenetic location: 7q32.1.
Variant type: Deletion.
Coding change: c.2114_2115del on transcript NM_001458.5 (MANE Select); coding-DNA positions 2114 to 2115, 2 bases deleted (AT; older notation c.2114_2115delAT).
Protein change: p.Tyr705fs; shifts the reading frame from tyrosine 705.
Molecular consequence: frameshift variant.
Genome position (GRCh38, 1-based): chr7:128,841,560-128,841,561, AT deleted; deleting any 2 consecutive bases within chr7:128,841,559-128,841,561 gives the same sequence; the c. name uses the placement nearest the transcript's 3' end. VCF-style (leftmost placement, unchanged base first): chr7-128841558-CTA-C. GRCh37 (hg19) VCF-style: chr7-128481612-CTA-C.
Other names: c.2114_2115del, p.Tyr705fs (NM_001127487.2); short protein forms Y705fs.
Identifiers: ClinVar variation 2949776 (VCV002949776.3), dbSNP rs2536629124, ClinGen allele CA2740097554.

ClinVar aggregate classification (germline): Pathogenic (1 of 4 stars; one submission).

Conditions:
Myofibrillar myopathy 5. Also called: Filaminopathy (type); FILAMINOPATHY, AUTOSOMAL DOMINANT. Identifiers: Orphanet 171445, MedGen C1836050, MONDO:0012289, OMIM 609524.
Distal myopathy with posterior leg and anterior hand involvement. Also called: WILLIAMS DISTAL MYOPATHY. Identifiers: Orphanet 63273, MedGen C3279722, MONDO:0013550, OMIM 614065.
Hypertrophic cardiomyopathy 26. Also called: Cardiomyopathy, familial hypertrophic, 26. Identifiers: Orphanet 75249, MedGen C4310749, MONDO:0014883, OMIM 617047.

Submission:

Labcorp Genetics (formerly Invitae), Labcorp
Classification: Pathogenic for Distal myopathy with posterior leg and anterior hand involvement; Myofibrillar myopathy 5; Hypertrophic cardiomyopathy 26. Last evaluated: 2023-07-11. Review status: criteria provided, single submitter. Criteria: Invitae Variant Classification Sherloc (09022015). Collection method: clinical testing. Allele origin: germline.
Comment: This sequence change creates a premature translational stop signal (p.Tyr705Cysfs*32) in the FLNC gene. It is expected to result in an absent or disrupted protein product. Loss-of-function variants in FLNC are known to be pathogenic (PMID: 27908349). For these reasons, this variant has been classified as Pathogenic. This variant has not been reported in the literature in individuals affected with FLNC-related conditions. This variant is not present in population databases (gnomAD no frequency).

Literature cited by the submitters: PubMed 27908349.